The following is an entry in ClinVar:

NM_014915.3(ANKRD26):c.*904C>A

Gene: ANKRD26 (ankyrin repeat domain 26; minus strand). Cytogenetic location: 10p12.1.
Variant type: single nucleotide variant.
Coding change: c.*904C>A on transcript NM_014915.3 (MANE Select); 904 bases downstream of the stop codon, C replaced by A.
Molecular consequence: 3 prime UTR variant.
Genome position (GRCh38, 1-based): chr10:27,004,686, G>T on the plus strand (C>A on the coding strand, the complement: ANKRD26 is on the minus strand). VCF-style: chr10-27004686-G-T. GRCh37 (hg19) VCF-style: chr10-27293615-G-T.
Other names: c.*904C>A (NM_001256053.2).
Identifiers: ClinVar variation 299717 (VCV000299717.5), dbSNP rs11015449, ClinGen allele CA10635539.

ClinVar aggregate classification (germline): Benign (1 of 4 stars; one submission).

Conditions:
Thrombocytopenia 2 (THC2). Also called: ANKRD26-Related Thrombocytopenia. Identifiers: Orphanet 268322, MedGen C1861185, MONDO:0008555, OMIM 188000.

Allele frequency attached by ClinVar (database versions not stated): gnomAD 0.01310 and 0.01893; TOPMed 0.01356; 1000 Genomes Project 30x 0.06277; 1000 Genomes Project 0.06949.

Submission:

Illumina Laboratory Services, Illumina
Classification: Benign for Thrombocytopenia 2. Last evaluated: 2018-01-12. Review status: criteria provided, single submitter. Criteria: ICSL Variant Classification Criteria 13 December 2019. Collection method: clinical testing. Allele origin: germline.
Comment: This variant was observed in the ICSL laboratory as part of a predisposition screen in an ostensibly healthy population. It had not been previously curated by ICSL or reported in the Human Gene Mutation Database (HGMD: prior to June 1st, 2018), and was therefore a candidate for classification through an automated scoring system. Utilizing variant allele frequency, disease prevalence and penetrance estimates, and inheritance mode, an automated score was calculated to assess if this variant is too frequent to cause the disease. Based on the score and internal cut-off values, a variant classified as benign is not then subjected to further curation. The score for this variant resulted in a classification of benign for this disease.